The following is an entry in ClinVar:

NM_004456.5(EZH2):c.568G>A (p.Gly190Arg)

Gene: EZH2 (enhancer of zeste 2 polycomb repressive complex 2 subunit; minus strand). Cytogenetic location: 7q36.1.
Variant type: single nucleotide variant.
Coding change: c.568G>A on transcript NM_004456.5 (MANE Select); coding-DNA position 568, G replaced by A.
Protein change: p.Gly190Arg; replaces glycine 190 with arginine.
Molecular consequence: missense variant.
Genome position (GRCh38, 1-based): chr7:148,828,797, C>T on the plus strand (G>A on the coding strand, the complement: EZH2 is on the minus strand). VCF-style: chr7-148828797-C-T. GRCh37 (hg19) VCF-style: chr7-148525889-C-T.
Other names: c.568G>A, p.Gly190Arg (NM_001203247.2); c.541G>A, p.Gly181Arg (NM_001203248.2, NM_001203249.2); c.451G>A, p.Gly151Arg (NM_152998.3); short protein forms G190R, G181R, G151R.
Identifiers: ClinVar variation 1492354 (VCV001492354.8), dbSNP rs1808481008, ClinGen allele CA369720329.

ClinVar aggregate classification (germline): Uncertain significance (1 of 4 stars; one submission).

Conditions:
Weaver syndrome (WVS). Also called: Weaver Smith syndrome; Overgrowth syndrome with accelerated skeletal maturation, unusual facies, and camptodactyly. Identifiers: Orphanet 3447, MedGen C0265210, MONDO:0010193, OMIM 277590.

Allele frequency attached by ClinVar (database versions not stated): TOPMed below 0.00001; gnomAD 0.00001.
gnomAD v4.1: 10 of 1,612,710 alleles (0.00062%); highest among the groups gnomAD compares: Admixed American, 0.0017%; no homozygotes.

Submission:

Labcorp Genetics (formerly Invitae), Labcorp
Classification: Uncertain significance for Weaver syndrome. Last evaluated: 2021-01-25. Review status: criteria provided, single submitter. Criteria: Invitae Variant Classification Sherloc (09022015). Collection method: clinical testing. Allele origin: germline.
Comment: This sequence change replaces glycine with arginine at codon 190 of the EZH2 protein (p.Gly190Arg). The glycine residue is moderately conserved and there is a moderate physicochemical difference between glycine and arginine. This variant is not present in population databases (ExAC no frequency). This variant has not been reported in the literature in individuals with EZH2-related conditions. Advanced modeling of protein sequence and biophysical properties (such as structural, functional, and spatial information, amino acid conservation, physicochemical variation, residue mobility, and thermodynamic stability) performed at Invitae indicates that this missense variant is not expected to disrupt EZH2 protein function. In summary, the available evidence is currently insufficient to determine the role of this variant in disease. Therefore, it has been classified as a Variant of Uncertain Significance.